The following is an entry in ClinVar:

NM_014141.6(CNTNAP2):c.2255+100C>T

Gene: CNTNAP2 (contactin associated protein 2; plus strand). Cytogenetic location: 7q35.
Variant type: single nucleotide variant.
Coding change: c.2255+100C>T on transcript NM_014141.6 (MANE Select); 100 bases into the intron after coding-DNA position 2255, C replaced by T.
Molecular consequence: intron variant.
Genome position (GRCh38, 1-based): chr7:147,903,821, C>T. VCF-style: chr7-147903821-C-T. GRCh37 (hg19) VCF-style: chr7-147600913-C-T.
Identifiers: ClinVar variation 675215 (VCV000675215.2), dbSNP rs17170742, ClinGen allele CA168786581.

ClinVar aggregate classification (germline): Likely benign. Review status: criteria provided, multiple submitters, no conflicts (2 of 4 stars). 2 submissions from 2 submitters: Likely benign (2). Last evaluated 2018-06-14.

Allele frequency attached by ClinVar (database versions not stated): 1000 Genomes Project 0.02256; 1000 Genomes Project 30x 0.02514; gnomAD 0.04328 and 0.04514; TOPMed 0.04340; gnomAD exomes 0.04848.
gnomAD v4.1: 67,126 of 1,408,746 alleles (4.8%); highest among the groups gnomAD compares: Non-Finnish European, 5.6%; 1,869 homozygotes.

Submissions (2):

GeneDx
Classification: Likely benign. Last evaluated: 2018-06-14. Review status: criteria provided, single submitter. Criteria: GeneDx Variant Classification (06012015). Collection method: clinical testing. Allele origin: germline. Affected: yes.
Comment: This variant is considered likely benign or benign based on one or more of the following criteria: it is a conservative change, it occurs at a poorly conserved position in the protein, it is predicted to be benign by multiple in silico algorithms, and/or has population frequency not consistent with disease.

Breakthrough Genomics
Classification: Likely benign. Review status: criteria provided, single submitter. Criteria: ACMG Guidelines, 2015. Collection method: not provided. Allele origin: germline. Inheritance: Autosomal recessive inheritance. Affected: yes.